The following is an entry in ClinVar:

ClinVar aggregate classification (germline): Uncertain significance. Review status: criteria provided, multiple submitters, no conflicts (2 of 4 stars). 5 submissions from 5 submitters: Uncertain significance (5). Last evaluated 2025-06-17.

Conditions:
Hereditary cancer-predisposing syndrome. Also called: Neoplastic Syndromes, Hereditary; Tumor predisposition; Hereditary Cancer Syndrome; Hereditary neoplastic syndrome. Identifiers: Orphanet 140162, MedGen C0027672, MeSH D009386, MONDO:0015356.
Familial adenomatous polyposis 1 (FAP1). Also called: FAMILIAL ADENOMATOUS POLYPOSIS 1, ATTENUATED; POLYPOSIS, ADENOMATOUS INTESTINAL. Identifiers: MedGen C2713442, MONDO:0021056, OMIM 175100. Disease mechanism: loss of function.

Allele frequency attached by ClinVar (database versions not stated): gnomAD exomes below 0.00001; ExAC 0.00001.
gnomAD v4.1: 3 of 1,612,042 alleles (0.00019%); highest among the groups gnomAD compares: South Asian, 0.0033%; no homozygotes.

Submissions (5):

Women's Health and Genetics/Laboratory Corporation of America, LabCorp
Classification: Uncertain significance. Last evaluated: 2025-06-17. Review status: criteria provided, single submitter. Criteria: LabCorp Variant Classification Summary - May 2015. Collection method: clinical testing. Allele origin: germline.
Comment: Variant summary: APC c.5404G>A (p.Glu1802Lys) results in a conservative amino acid change in the encoded protein sequence. Algorithms developed to predict the effect of missense changes on protein structure and function are either unavailable or do not agree on the potential impact of this missense change. The variant allele was found at a frequency of 4e-06 in 249424 control chromosomes. The available data on variant occurrences in the general population are insufficient to allow any conclusion about variant significance. c.5404G>A has been observed in at least one individual affected with pancreatic ductal adenocarcinoma without evidence of causality (Cremin_2020). These report(s) do not provide unequivocal conclusions about association of the variant with Familial Adenomatous Polyposis. To our knowledge, no experimental evidence demonstrating an impact on protein function has been reported. The following publication have been ascertained in the context of this evaluation (PMID: 32255556). ClinVar contains an entry for this variant (Variation ID: 920674). Based on the evidence outlined above, the variant was classified as uncertain significance.

Labcorp Genetics (formerly Invitae), Labcorp
Classification: Uncertain significance for Familial adenomatous polyposis 1. Last evaluated: 2024-12-02. Review status: criteria provided, single submitter. Criteria: Invitae Variant Classification Sherloc (09022015). Collection method: clinical testing. Allele origin: germline.
Comment: This sequence change replaces glutamic acid, which is acidic and polar, with lysine, which is basic and polar, at codon 1802 of the APC protein (p.Glu1802Lys). This variant is present in population databases (rs756465306, gnomAD 0.003%). This variant has not been reported in the literature in individuals affected with APC-related conditions. ClinVar contains an entry for this variant (Variation ID: 920674). Invitae Evidence Modeling of protein sequence and biophysical properties (such as structural, functional, and spatial information, amino acid conservation, physicochemical variation, residue mobility, and thermodynamic stability) indicates that this missense variant is not expected to disrupt APC protein function with a negative predictive value of 95%. In summary, the available evidence is currently insufficient to determine the role of this variant in disease. Therefore, it has been classified as a Variant of Uncertain Significance.

Ambry Genetics
Classification: Uncertain significance for Hereditary cancer-predisposing syndrome. Last evaluated: 2023-11-13. Review status: criteria provided, single submitter. Criteria: Ambry Variant Classification Scheme 2023. Collection method: clinical testing. Allele origin: germline.
Comment: The p.E1802K variant (also known as c.5404G>A), located in coding exon 15 of the APC gene, results from a G to A substitution at nucleotide position 5404. The glutamic acid at codon 1802 is replaced by lysine, an amino acid with similar properties. This amino acid position is well conserved in available vertebrate species. In addition, in silico predictors for this gene do not accurately predict pathogenicity. Since supporting evidence is limited at this time, the clinical significance of this alteration remains unclear.

Color Diagnostics, LLC DBA Color Health
Classification: Uncertain significance for Hereditary cancer-predisposing syndrome. Last evaluated: 2019-05-29. Review status: criteria provided, single submitter. Criteria: ACMG Guidelines, 2015. Collection method: clinical testing. Allele origin: germline.

Baylor Genetics
Classification: Uncertain significance for Familial adenomatous polyposis 1. Last evaluated: 2018-02-16. Review status: criteria provided, single submitter. Criteria: ACMG Guidelines, 2015. Collection method: clinical testing. Allele origin: unknown. Affected: yes.
Comment: This variant was determined to be of uncertain significance according to ACMG Guidelines, 2015 [PMID:25741868].

Literature cited by the submitters: PubMed 32255556 (cited by Women's Health and Genetics/Laboratory Corporation of America, LabCorp).

NM_000038.6(APC):c.5404G>A (p.Glu1802Lys)

Gene: APC (APC regulator of Wnt signaling pathway; plus strand). Cytogenetic location: 5q22.2.
Variant type: single nucleotide variant.
Coding change: c.5404G>A on transcript NM_000038.6 (MANE Select); coding-DNA position 5404, G replaced by A.
Protein change: p.Glu1802Lys; replaces glutamic acid 1802 with lysine.
Molecular consequence: missense variant.
Genome position (GRCh38, 1-based): chr5:112,840,998, G>A. VCF-style: chr5-112840998-G-A. GRCh37 (hg19) VCF-style: chr5-112176695-G-A.
Other names: c.5404G>A, p.Glu1802Lys (NM_001127510.3, NM_001354895.2); c.5350G>A, p.Glu1784Lys (NM_001127511.3); c.5458G>A, p.Glu1820Lys (NM_001354896.2); c.5434G>A, p.Glu1812Lys (NM_001354897.2); c.5329G>A, p.Glu1777Lys (NM_001354898.2); c.5320G>A, p.Glu1774Lys (NM_001354899.2); c.5281G>A, p.Glu1761Lys (NM_001354900.2); c.5227G>A, p.Glu1743Lys (NM_001354901.2); and 5 more; short protein forms E1642K, E1820K, E1519K, E1676K, E1761K, E1784K, E1802K, E1812K.
Identifiers: ClinVar variation 920674 (VCV000920674.13), dbSNP rs756465306, ClinGen allele CA041838.